The following is an entry in ClinVar:

ClinVar aggregate classification (germline): Uncertain significance (1 of 4 stars; one submission).

Conditions:
Familial adenomatous polyposis 1 (FAP1). Also called: POLYPOSIS, ADENOMATOUS INTESTINAL; FAMILIAL ADENOMATOUS POLYPOSIS 1, ATTENUATED. Identifiers: MedGen C2713442, MONDO:0021056, OMIM 175100. Disease mechanism: loss of function.

Submission:

Labcorp Genetics (formerly Invitae), Labcorp
Classification: Uncertain significance for Familial adenomatous polyposis 1. Last evaluated: 2023-09-08. Review status: criteria provided, single submitter. Criteria: Invitae Variant Classification Sherloc (09022015). Collection method: clinical testing. Allele origin: germline.
Comment: This sequence change replaces lysine, which is basic and polar, with asparagine, which is neutral and polar, at codon 708 of the APC protein (p.Lys708Asn). This variant is not present in population databases (gnomAD no frequency). This variant has not been reported in the literature in individuals affected with APC-related conditions. Advanced modeling of protein sequence and biophysical properties (such as structural, functional, and spatial information, amino acid conservation, physicochemical variation, residue mobility, and thermodynamic stability) performed at Invitae indicates that this missense variant is not expected to disrupt APC protein function. In summary, the available evidence is currently insufficient to determine the role of this variant in disease. Therefore, it has been classified as a Variant of Uncertain Significance.

NM_000038.6(APC):c.2124G>C (p.Lys708Asn)

Gene: APC (APC regulator of Wnt signaling pathway; plus strand). Cytogenetic location: 5q22.2.
Variant type: single nucleotide variant.
Coding change: c.2124G>C on transcript NM_000038.6 (MANE Select); coding-DNA position 2124, G replaced by C.
Protein change: p.Lys708Asn; replaces lysine 708 with asparagine.
Molecular consequence: missense variant. On other transcripts: non-coding transcript variant (2).
Genome position (GRCh38, 1-based): chr5:112,837,718, G>C. VCF-style: chr5-112837718-G-C. GRCh37 (hg19) VCF-style: chr5-112173415-G-C.
Other names: c.1821G>C, p.Lys607Asn (NM_001354903.2, NM_001407458.1, NM_001407459.1 and 1 more transcripts); c.1746G>C, p.Lys582Asn (NM_001354904.2); c.1644G>C, p.Lys548Asn (NM_001354905.2); c.1275G>C, p.Lys425Asn (NM_001354906.2, NM_001407470.1); c.2208G>C, p.Lys736Asn (NM_001407446.1); c.2178G>C, p.Lys726Asn (NM_001407447.1, NM_001407448.1, NM_001407449.1 and 1 more transcripts); c.2124G>C, p.Lys708Asn (NM_001407450.1, NM_001127510.3, NM_001354895.2); c.2103G>C, p.Lys701Asn (NM_001407451.1); and 11 more; short protein forms K324N, K425N, K579N, K607N, K625N, K649N, K690N, K701N.
Identifiers: ClinVar variation 2758727 (VCV002758727.3), dbSNP rs1454608873, ClinGen allele CA16025973.